The following is an entry in ClinVar:

NM_000322.5(PRPH2):c.548G>A (p.Arg183His)

Gene: PRPH2 (peripherin 2; minus strand). Cytogenetic location: 6p21.1.
Variant type: single nucleotide variant.
Coding change: c.548G>A on transcript NM_000322.5 (MANE Select); coding-DNA position 548, G replaced by A.
Protein change: p.Arg183His; replaces arginine 183 with histidine.
Molecular consequence: missense variant.
Genome position (GRCh38, 1-based): chr6:42,721,787, C>T on the plus strand (G>A on the coding strand, the complement: PRPH2 is on the minus strand). VCF-style: chr6-42721787-C-T. GRCh37 (hg19) VCF-style: chr6-42689525-C-T.
Other names: short protein forms R183H.
Identifiers: ClinVar variation 971644 (VCV000971644.11), dbSNP rs960152679, ClinGen allele CA138186975.

ClinVar aggregate classification (germline): Uncertain significance. Review status: criteria provided, multiple submitters, no conflicts (2 of 4 stars). 3 submissions from 3 submitters: Uncertain significance (3). Last evaluated 2025-12-11.

Conditions:
PRPH2-related disorder. Also called: PRPH2-related disorders; PRPH2-related condition. Identifiers: MedGen CN239395.

Allele frequency attached by ClinVar (database versions not stated): TOPMed 0.00002.
gnomAD v4.1: 14 of 1,614,178 alleles (0.00087%); highest among the groups gnomAD compares: Non-Finnish European, 0.001%; no homozygotes.

Submissions (3):

PreventionGenetics, part of Exact Sciences
Classification: Uncertain significance for PRPH2-related condition. Last evaluated: 2025-12-11. Review status: criteria provided, single submitter. Criteria: ACMG Guidelines, 2015. Collection method: clinical testing. Allele origin: germline.
Comment: The PRPH2 c.548G>A variant is predicted to result in the amino acid substitution p.Arg183His. To our knowledge, this variant has not been reported in the literature. This variant is absent in a large population database (gnomAD), indicating this variant is rare. At this time, the clinical significance of this variant is uncertain due to the absence of conclusive functional and genetic evidence.

GeneDx
Classification: Uncertain significance. Last evaluated: 2024-11-08. Review status: criteria provided, single submitter. Criteria: GeneDx Variant Classification Process June 2021. Collection method: clinical testing. Allele origin: germline. Affected: yes.
Comment: Not observed at significant frequency in large population cohorts (gnomAD); In silico analysis supports that this missense variant has a deleterious effect on protein structure/function; Has not been previously published as pathogenic or benign to our knowledge

Labcorp Genetics (formerly Invitae), Labcorp
Classification: Uncertain significance for PRPH2-related disorder. Last evaluated: 2023-01-20. Review status: criteria provided, single submitter. Criteria: Invitae Variant Classification Sherloc (09022015). Collection method: clinical testing. Allele origin: germline.
Comment: This sequence change replaces arginine, which is basic and polar, with histidine, which is basic and polar, at codon 183 of the PRPH2 protein (p.Arg183His). In summary, the available evidence is currently insufficient to determine the role of this variant in disease. Therefore, it has been classified as a Variant of Uncertain Significance. Advanced modeling of protein sequence and biophysical properties (such as structural, functional, and spatial information, amino acid conservation, physicochemical variation, residue mobility, and thermodynamic stability) performed at Invitae indicates that this missense variant is expected to disrupt PRPH2 protein function. ClinVar contains an entry for this variant (Variation ID: 971644). This variant has not been reported in the literature in individuals affected with PRPH2-related conditions. This variant is not present in population databases (gnomAD no frequency).